The following is an entry in ClinVar:

ClinVar aggregate classification (germline): Likely benign (1 of 4 stars; one submission).

Conditions:
Familial cancer of breast. Also called: hereditary breast carcinoma; BREAST CANCER, FAMILIAL; Hereditary breast cancer. Identifiers: Orphanet 227535, MedGen C0346153, MONDO:0016419, OMIM 114480. Disease mechanism: loss of function.

Submission:

Myriad Genetics, Inc.
Classification: Likely benign for Familial cancer of breast. Last evaluated: 2024-06-10. Review status: criteria provided, single submitter. Criteria: Myriad Autosomal Dominant, Autosomal Recessive and X-Linked Classification Criteria (2023). Collection method: clinical testing. Allele origin: unknown.
Comment: This variant is considered likely benign. This variant is intronic and is not expected to impact mRNA splicing.

NM_000051.4(ATM):c.6807+10A>C

Genes: ATM (ATM serine/threonine kinase; plus strand), C11orf65 (chromosome 11 open reading frame 65; minus strand). Cytogenetic location: 11q22.3.
Variant type: single nucleotide variant.
Coding change: c.6807+10A>C on transcript NM_000051.4 (MANE Select); 10 bases into the intron after coding-DNA position 6807, A replaced by C.
Molecular consequence: intron variant.
Genome position (GRCh38, 1-based): chr11:108,325,554, A>C. VCF-style: chr11-108325554-A-C. GRCh37 (hg19) VCF-style: chr11-108196281-A-C.
Other names: c.6807+10A>C (NM_001351834.2); c.641-16483T>G (NM_001330368.2); c.*38+9666T>G (NM_001351110.2).
Identifiers: ClinVar variation 3254154 (VCV003254154.1), dbSNP rs924117395.
Genomic context (GRCh38, chr11:108,325,554, plus strand): 5'-AAACACCTTGTAGAACTCTCTATACTGGCCAGAACTTTCAAGAACACTCAGGTAAATACA[A>C]TTTAAAACTATGTCATCTTACCTCTTGACTTTCCTTTTATTATTTAAAAAACAGAAAGCC-3'